The following is an entry in ClinVar:

NM_177438.3(DICER1):c.1797T>C (p.Thr599=)

Gene: DICER1 (dicer 1, ribonuclease III; minus strand). Cytogenetic location: 14q32.13.
Variant type: single nucleotide variant.
Coding change: c.1797T>C on transcript NM_177438.3 (MANE Select); coding-DNA position 1797, T replaced by C.
Protein change: p.Thr599=; no amino-acid change (threonine 599 retained).
Molecular consequence: synonymous variant.
Genome position (GRCh38, 1-based): chr14:95,115,777, A>G on the plus strand (T>C on the coding strand, the complement: DICER1 is on the minus strand). VCF-style: chr14-95115777-A-G. GRCh37 (hg19) VCF-style: chr14-95582114-A-G.
Other names: NM_177438.3(DICER1):c.1797T>C; p.Thr599=; c.1797T>C, p.Thr599= (NM_001195573.1, NM_001271282.3, NM_001291628.2 and 1 more transcripts).
Identifiers: ClinVar variation 477062 (VCV000477062.30), dbSNP rs761971773, ClinGen allele CA487631091.

ClinVar aggregate classification (germline): Likely benign. Review status: reviewed by expert panel (3 of 4 stars). 5 submissions from 5 submitters: Likely benign (1). 4 of the submissions do not count toward it. Last evaluated 2026-02-24.

Conditions:
Hereditary cancer-predisposing syndrome. Also called: Hereditary neoplastic syndrome; Tumor predisposition; Neoplastic Syndromes, Hereditary; Hereditary Cancer Syndrome. Identifiers: Orphanet 140162, MedGen C0027672, MeSH D009386, MONDO:0015356.
DICER1-related tumor predisposition. Also called: DICER1 syndrome; DICER1-related pleuropulmonary blastoma cancer predisposition syndrome. Identifiers: Orphanet 284343, MedGen C3839822, MONDO:0100216.

gnomAD v4.1: 2 of 1,614,202 alleles (0.00012%); highest among the groups gnomAD compares: East Asian, 0.0045%; no homozygotes.

Submissions (5):

ClinGen DICER1 and miRNA-Processing Gene Variant Curation Expert Panel, ClinGen
Classification: Likely benign for DICER1-related tumor predisposition. Last evaluated: 2026-02-24. Review status: reviewed by expert panel. Criteria: ClinGen DICER1 ACMG Specifications DICER1 V1.4.0. Collection method: curation. Allele origin: germline. Inheritance: Autosomal dominant inheritance.
Comment: The NM_177438.3:c.1797T>C (p.Thr599=) variant is a synonymous (silent) variant that is not predicted to impact splicing by MaxEntScan or SpliceAI (BP4, BP7). Although this variant has been observed in individuals undergoing genetic sequencing, to our knowledge, this variant has not been reported in individuals with DICER1-related tumor predisposition (PS4 not met; Internal lab contributors). The total allele frequency in gnomAD v4.1.0 is 0.00000124 (2/1614202 alleles) with a highest population minor allele frequency of 0.00004456 (2/44888 alleles) in the East Asian population (PM2_Supporting, BS1, and BA1 are not met). In summary, this variant meets the criteria to be classified as Likely Benign for DICER1-related tumor predisposition based on the ACMG/AMP criteria applied, as specified by the ClinGen DICER1 VCEP: BP4, BP7. (Bayesian Points: -2; VCEP specifications version 1.4.0; 02/24/2026)

Labcorp Genetics (formerly Invitae), Labcorp
Classification: Likely benign for DICER1-related tumor predisposition. Last evaluated: 2025-02-04. Review status: criteria provided, single submitter. Criteria: Invitae Variant Classification Sherloc (09022015). Collection method: clinical testing. Allele origin: germline. Not counted in ClinVar's aggregate classification.

CeGaT Center for Human Genetics Tuebingen
Classification: Likely benign. Last evaluated: 2024-09-01. Review status: criteria provided, single submitter. Criteria: CeGaT Center For Human Genetics Tuebingen Variant Classification Criteria Version 2. Collection method: clinical testing. Allele origin: germline. Affected: yes. Observed: 1 variant allele. Not counted in ClinVar's aggregate classification.
Comment: DICER1: BP4, BP7

Quest Diagnostics Nichols Institute San Juan Capistrano
Classification: Uncertain significance. Last evaluated: 2023-08-25. Review status: criteria provided, single submitter. Criteria: Quest Diagnostics criteria. Collection method: clinical testing. Allele origin: unknown. Not counted in ClinVar's aggregate classification.
Comment: To the best of our knowledge, this variant has not been reported in the published literature. It also has not been reported in large, multi-ethnic general populations (Genome Aggregation Database). Analysis of this variant using software algorithms for the prediction of the effect of nucleotide changes on splicing yielded predictions that this variant does not affect DICER1 mRNA splicing . Based on the available information, we are unable to determine the clinical significance of this variant.

Ambry Genetics
Classification: Likely benign for Hereditary cancer-predisposing syndrome. Last evaluated: 2022-07-17. Review status: criteria provided, single submitter. Criteria: Ambry Variant Classification Scheme 2023. Collection method: clinical testing. Allele origin: germline. Not counted in ClinVar's aggregate classification.